The following is an entry in ClinVar:

NM_000179.3(MSH6):c.3438+19_3438+34del

Gene: MSH6 (mutS homolog 6; plus strand). Cytogenetic location: 2p16.3.
Variant type: Deletion.
Coding change: c.3438+19_3438+34del on transcript NM_000179.3 (MANE Select); bases 19 to 34 of the intron after coding-DNA position 3438, 16 bases deleted (TTTGTTATCAGAAAGT).
Molecular consequence: intron variant.
Genome position (GRCh38, 1-based): chr2:47,803,704-47,803,719, TTTGTTATCAGAAAGT deleted; deleting any 16 consecutive bases within chr2:47,803,699-47,803,719 gives the same sequence; the c. name uses the placement nearest the transcript's 3' end. VCF-style (leftmost placement, unchanged base first): chr2-47803698-TAAAGTTTTGTTATCAG-T. GRCh37 (hg19) VCF-style: chr2-48030837-TAAAGTTTTGTTATCAG-T.
Other names: c.3438+19_3438+34del (NM_001406809.1, NM_001406796.1, NM_001406808.1 and 1 more transcripts); c.2532+19_2532+34del (NM_001406811.1, NM_001406814.1, NM_001281493.2 and 6 more transcripts); c.3141+19_3141+34del (NM_001406805.1, NM_001406797.1, NM_001406801.1 and 10 more transcripts); c.3534+19_3534+34del (NM_001406795.1, NM_001406802.1); c.3444+19_3444+34del (NM_001406813.1); c.2913+19_2913+34del (NM_001406807.1, NM_001406799.1, NM_001406806.1); c.3264+19_3264+34del (NM_001406798.1); c.2574+19_2574+34del (NM_001406803.1); and 7 more.
Identifiers: ClinVar variation 2767866 (VCV002767866.3), dbSNP rs2530778258, ClinGen allele CA2697548059.

ClinVar aggregate classification (germline): Uncertain significance (1 of 4 stars; one submission).

Conditions:
Hereditary nonpolyposis colorectal neoplasms. Identifiers: MedGen C0009405, MeSH D003123.

Submission:

Labcorp Genetics (formerly Invitae), Labcorp
Classification: Uncertain significance for Hereditary nonpolyposis colorectal neoplasms. Last evaluated: 2023-10-13. Review status: criteria provided, single submitter. Criteria: Invitae Variant Classification Sherloc (09022015). Collection method: clinical testing. Allele origin: germline.
Comment: This sequence change falls in intron 5 of the MSH6 gene. It does not directly change the encoded amino acid sequence of the MSH6 protein. This variant is not present in population databases (gnomAD no frequency). This variant has not been reported in the literature in individuals affected with MSH6-related conditions. Experimental studies and prediction algorithms are not available or were not evaluated, and the effect of this variant on mRNA splicing is currently unknown. In summary, the available evidence is currently insufficient to determine the role of this variant in disease. Therefore, it has been classified as a Variant of Uncertain Significance.